The following is an entry in ClinVar:

NM_004415.4(DSP):c.1058C>T (p.Thr353Ile)

Gene: DSP (desmoplakin; plus strand). Cytogenetic location: 6p24.3.
Variant type: single nucleotide variant.
Coding change: c.1058C>T on transcript NM_004415.4 (MANE Select); coding-DNA position 1058, C replaced by T.
Protein change: p.Thr353Ile; replaces threonine 353 with isoleucine.
Molecular consequence: missense variant.
Genome position (GRCh38, 1-based): chr6:7,567,367, C>T. VCF-style: chr6-7567367-C-T. GRCh37 (hg19) VCF-style: chr6-7567600-C-T.
Other names: c.1058C>T, p.Thr353Ile (NM_001008844.3, NM_001319034.2, NM_001406591.1); short protein forms T353I.
Identifiers: ClinVar variation 4756211 (VCV004756211.1).

ClinVar aggregate classification (germline): Uncertain significance (1 of 4 stars; one submission).

Conditions:
Cardiomyopathy (CMYO). Also called: Cardiomyopathies. Identifiers: Orphanet 167848, MedGen C0878544, MONDO:0004994, HP:0001638. Inheritance: Various modes of inheritance.

Submission:

Color Diagnostics, LLC DBA Color Health
Classification: Uncertain significance for Cardiomyopathy. Last evaluated: 2025-08-14. Review status: criteria provided, single submitter. Criteria: ACMG Guidelines, 2015. Collection method: clinical testing. Allele origin: germline.
Comment: This missense variant replaces threonine with isoleucine at codon 353 of the DSP protein. Computational prediction suggests that this variant may have deleterious impact on protein structure and function. To our knowledge, functional studies have not been reported for this variant. This variant has not been reported in individuals affected with DSP-related disorders in the literature. This variant has not been identified in the general population by the Genome Aggregation Database (gnomAD). The available evidence is insufficient to determine the role of this variant in disease conclusively. Therefore, this variant is classified as a Variant of Uncertain Significance.